The following is an entry in ClinVar:

NM_022089.4(ATP13A2):c.528C>T (p.Ile176=)

Gene: ATP13A2 (ATPase cation transporting 13A2; minus strand). Cytogenetic location: 1p36.13.
Variant type: single nucleotide variant.
Coding change: c.528C>T on transcript NM_022089.4 (MANE Select); coding-DNA position 528, C replaced by T.
Protein change: p.Ile176=; no amino-acid change (isoleucine 176 retained).
Molecular consequence: synonymous variant.
Genome position (GRCh38, 1-based): chr1:17,004,361, G>A on the plus strand (C>T on the coding strand, the complement: ATP13A2 is on the minus strand). VCF-style: chr1-17004361-G-A. GRCh37 (hg19) VCF-style: chr1-17330856-G-A.
Other names: p.Ile176=; c.513C>T, p.Ile171= (NM_001141973.3, NM_001141974.3); c.528C>T (NM_022089.2).
Identifiers: ClinVar variation 767061 (VCV000767061.13), dbSNP rs371992028, ClinGen allele CA637606.

ClinVar aggregate classification (germline): Likely benign. Review status: criteria provided, multiple submitters, no conflicts (2 of 4 stars). 6 submissions from 6 submitters: Likely benign (6). Last evaluated 2026-06-01.

Conditions:
Kufor-Rakeb syndrome (KRS). Also called: PARKINSON DISEASE 9, AUTOSOMAL RECESSIVE, JUVENILE-ONSET. Identifiers: Orphanet 306674, Orphanet 314632, MedGen C1847640, MONDO:0011706, OMIM 606693.
Autosomal recessive spastic paraplegia type 78. Identifiers: Orphanet 513436, MedGen C5567893, MONDO:0014975, OMIM 617225.
Inborn genetic diseases. Identifiers: MedGen C0950123, MeSH D030342.
ATP13A2-related disorder. Also called: ATP13A2-related disorders; ATP13A2-related condition.

Allele frequency attached by ClinVar (database versions not stated): ExAC 0.00003; gnomAD exomes 0.00003 and 0.00004; TOPMed 0.00006; gnomAD 0.00007 and 0.00008; ESP Exome Variant Server 0.00008; 1000 Genomes Project 30x 0.00016; 1000 Genomes Project 0.00020.
gnomAD v4.1: 55 of 1,613,986 alleles (0.0034%); highest among the groups gnomAD compares: Middle Eastern, 0.017%; no homozygotes.

Submissions (6):

CeGaT Center for Human Genetics Tuebingen
Classification: Likely benign. Last evaluated: 2026-06-01. Review status: criteria provided, single submitter. Criteria: CeGaT Center For Human Genetics Tuebingen Variant Classification Criteria Version 2. Collection method: clinical testing. Allele origin: germline. Affected: yes. Observed: 1 variant allele.
Comment: ATP13A2: BP4, BP7

Labcorp Genetics (formerly Invitae), Labcorp
Classification: Likely benign for Kufor-Rakeb syndrome; Autosomal recessive spastic paraplegia type 78. Last evaluated: 2025-12-23. Review status: criteria provided, single submitter. Criteria: Invitae Variant Classification Sherloc (09022015). Collection method: clinical testing. Allele origin: germline.

Mayo Clinic Laboratories, Mayo Clinic
Classification: Likely benign. Last evaluated: 2025-08-04. Review status: criteria provided, single submitter. Criteria: ACMG Guidelines, 2015. Collection method: clinical testing. Allele origin: germline. Observed: 2 variant alleles.
Comment: BP4, BP7

PreventionGenetics, part of Exact Sciences
Classification: Likely benign for ATP13A2-related condition. Last evaluated: 2025-06-26. Review status: criteria provided, single submitter. Criteria: ACMG Guidelines, 2015. Collection method: clinical testing. Allele origin: germline.
Comment: This variant is classified as likely benign based on ACMG/AMP sequence variant interpretation guidelines (Richards et al. 2015 PMID: 25741868, with internal and published modifications).

Blueprint Genetics
Classification: Likely benign. Last evaluated: 2024-10-18. Review status: criteria provided, single submitter. Criteria: ACMG Guidelines, 2015. Collection method: clinical testing. Allele origin: germline.

Ambry Genetics
Classification: Likely benign for Inborn genetic diseases. Last evaluated: 2024-10-03. Review status: criteria provided, single submitter. Criteria: Ambry Variant Classification Scheme 2023. Collection method: clinical testing. Allele origin: germline.

Literature cited by the submitters: PubMed 35982159 (cited by Mayo Clinic Laboratories, Mayo Clinic); PubMed 35982160 (cited by Mayo Clinic Laboratories, Mayo Clinic).